The following is an entry in ClinVar:

NM_000823.4(GHRHR):c.160+1G>T

Gene: GHRHR (growth hormone releasing hormone receptor; plus strand). Cytogenetic location: 7p14.3.
Variant type: single nucleotide variant.
Coding change: c.160+1G>T on transcript NM_000823.4 (MANE Select); the canonical splice donor site of the intron after coding-DNA position 160, G replaced by T.
Molecular consequence: splice donor variant.
Genome position (GRCh38, 1-based): chr7:30,968,937, G>T. VCF-style: chr7-30968937-G-T. GRCh37 (hg19) VCF-style: chr7-31008552-G-T.
Identifiers: ClinVar variation 3026388 (VCV003026388.22), dbSNP rs755092627, ClinGen allele CA4208405.

ClinVar aggregate classification (germline): Pathogenic (1 of 4 stars; one submission).

Allele frequency attached by ClinVar (database versions not stated): gnomAD exomes below 0.00001; ExAC 0.00001.

Submission:

CeGaT Center for Human Genetics Tuebingen
Classification: Pathogenic. Last evaluated: 2023-12-01. Review status: criteria provided, single submitter. Criteria: CeGaT Center For Human Genetics Tuebingen Variant Classification Criteria Version 2. Collection method: clinical testing. Allele origin: germline. Affected: yes. Observed: 1 variant allele.
Comment: GHRHR: PVS1, PM2